The following is an entry in ClinVar:

ClinVar aggregate classification (germline): Uncertain significance (1 of 4 stars; one submission).

Conditions:
Leigh syndrome (NULS). Also called: Leigh's necrotizing encephalopathy; Leigh's disease; Leigh Syndrome (mtDNA deletion); Leigh Disease; Subacute necrotizing encephalopathy; Necrotizing encephalopathy infantile subacute of Leigh. Identifiers: Orphanet 506, MedGen C2931891, MONDO:0009723, OMIM 256000.

Submission:

Wong Mito Lab, Molecular and Human Genetics, Baylor College of Medicine
Classification: Uncertain significance for Leigh syndrome. Last evaluated: 2019-10-17. Review status: criteria provided, single submitter. Criteria: Modified ACMG Guidelines (Unpublished). Collection method: clinical testing. Allele origin: germline.
Comment: The NC_012920.1:m.8714C>T (YP_003024031.1:p.Thr63Ile) variant in MTATP6 gene is interpretated to be a Uncertain Significance variant based on the modified ACMG guidelines (unpublished). This variant meets the following evidence codes: BP4

NC_012920.1(MT-ATP6):m.8714C>T

Gene: MT-ATP6 (mitochondrially encoded ATP synthase 6; plus strand).
Variant type: single nucleotide variant.
Genome position: chrM-8714-C-T.
Identifiers: ClinVar variation 692960 (VCV000692960.1), dbSNP rs1603221724, ClinGen allele CA414797617.